The following is an entry in ClinVar:

NM_024120.5(NDUFAF5):c.718-1G>A

Gene: NDUFAF5 (NADH:ubiquinone oxidoreductase complex assembly factor 5; plus strand). Cytogenetic location: 20p12.1.
Variant type: single nucleotide variant.
Coding change: c.718-1G>A on transcript NM_024120.5 (MANE Select); the canonical splice acceptor site of the intron before coding-DNA position 718, G replaced by A.
Molecular consequence: splice acceptor variant.
Genome position (GRCh38, 1-based): chr20:13,808,841, G>A. VCF-style: chr20-13808841-G-A. GRCh37 (hg19) VCF-style: chr20-13789487-G-A.
Other names: c.157-1G>A (NM_001352407.2, NM_001352406.2); c.634-1G>A (NM_001039375.3); c.247-1G>A (NM_001352403.2).
Identifiers: ClinVar variation 501404 (VCV000501404.11), dbSNP rs1359810808, ClinGen allele CA408271792.

ClinVar aggregate classification (germline): Conflicting classifications of pathogenicity. Review status: criteria provided, conflicting classifications (1 of 4 stars). 3 submissions from 3 submitters: Likely pathogenic (2); Uncertain significance (1). Last evaluated 2024-03-20.

Conditions:
Mitochondrial complex I deficiency, nuclear type 16. Also called: Mitochondrial complex 1 deficiency, nuclear type 16. Identifiers: MedGen C4748785, MONDO:0032621, OMIM 618238.

Allele frequency attached by ClinVar (database versions not stated): gnomAD exomes below 0.00001 and 0.00001.

Submissions (3):

Baylor Genetics
Classification: Likely pathogenic for Mitochondrial complex I deficiency, nuclear type 16. Last evaluated: 2024-03-20. Review status: criteria provided, single submitter. Criteria: ACMG Guidelines, 2015. Collection method: clinical testing. Allele origin: unknown.

Labcorp Genetics (formerly Invitae), Labcorp
Classification: Likely pathogenic. Last evaluated: 2023-11-19. Review status: criteria provided, single submitter. Criteria: Invitae Variant Classification Sherloc (09022015). Collection method: clinical testing. Allele origin: germline.
Comment: This sequence change affects an acceptor splice site in intron 7 of the NDUFAF5 gene. It is expected to disrupt RNA splicing. Variants that disrupt the donor or acceptor splice site typically lead to a loss of protein function (PMID: 16199547), and loss-of-function variants in NDUFAF5 are known to be pathogenic (PMID: 26275793, 30473481, 32918965). This variant is present in population databases (no rsID available, gnomAD 0.003%). This variant has not been reported in the literature in individuals affected with NDUFAF5-related conditions. ClinVar contains an entry for this variant (Variation ID: 501404). Algorithms developed to predict the effect of sequence changes on RNA splicing suggest that this variant may disrupt the consensus splice site. In summary, the currently available evidence indicates that the variant is pathogenic, but additional data are needed to prove that conclusively. Therefore, this variant has been classified as Likely Pathogenic.

Eurofins Ntd Llc (ga)
Classification: Uncertain significance. Last evaluated: 2017-04-26. Review status: criteria provided, single submitter. Criteria: EGL Classification Definitions 2015. Collection method: clinical testing. Allele origin: germline. Observed: 1 variant allele, 1 heterozygote.

Literature cited by the submitters: PubMed 16199547 (cited by Labcorp Genetics (formerly Invitae), Labcorp); PubMed 26275793 (cited by Labcorp Genetics (formerly Invitae), Labcorp); PubMed 30473481 (cited by Labcorp Genetics (formerly Invitae), Labcorp); PubMed 32918965 (cited by Labcorp Genetics (formerly Invitae), Labcorp).